The following is an entry in ClinVar:

ClinVar aggregate classification (germline): Pathogenic (1 of 4 stars; one submission).

Submission:

CeGaT Center for Human Genetics Tuebingen
Classification: Pathogenic. Last evaluated: 2025-12-01. Review status: criteria provided, single submitter. Criteria: CeGaT Center For Human Genetics Tuebingen Variant Classification Criteria Version 2. Collection method: clinical testing. Allele origin: germline. Affected: yes. Observed: 2 variant alleles.
Comment: SPEN: PVS1, PM2

NM_015001.3(SPEN):c.8819_8820del (p.Pro2940fs)

Gene: SPEN (spen family transcriptional repressor; plus strand). Cytogenetic location: 1p36.13.
Variant type: Deletion.
Coding change: c.8819_8820del on transcript NM_015001.3 (MANE Select); coding-DNA positions 8819 to 8820, 2 bases deleted (CT; older notation c.8819_8820delCT).
Protein change: p.Pro2940fs; shifts the reading frame from proline 2940.
Molecular consequence: frameshift variant.
Genome position (GRCh38, 1-based): chr1:15,935,059-15,935,060, CT deleted. VCF-style (leftmost placement, unchanged base first): chr1-15935058-CCT-C. GRCh37 (hg19) VCF-style: chr1-16261553-CCT-C.
Other names: short protein forms P2940fs.
Identifiers: ClinVar variation 3067573 (VCV003067573.21), dbSNP rs2523093746, ClinGen allele CA2825000866.